The following is an entry in ClinVar:

ClinVar aggregate classification (germline): Uncertain significance. Review status: criteria provided, multiple submitters, no conflicts (2 of 4 stars). 2 submissions from 2 submitters: Uncertain significance (2). Last evaluated 2021-09-30.

Conditions:
Norman-Roberts syndrome (LIS2). Also called: Lissencephaly 2 (Norman-Roberts type). Identifiers: Orphanet 89844, MedGen C0796089, MONDO:0009760, OMIM 257320.
Familial temporal lobe epilepsy 7. Identifiers: Orphanet 101046, MedGen C4225327, MONDO:0014639, OMIM 616436.

Allele frequency attached by ClinVar (database versions not stated): gnomAD exomes below 0.00001; TOPMed 0.00001.
gnomAD v4.1: 1 of 1,613,982 alleles (0.000062%); highest among the groups gnomAD compares: Non-Finnish European, 0.000085%; no homozygotes.

Submissions (2):

Labcorp Genetics (formerly Invitae), Labcorp
Classification: Uncertain significance for Familial temporal lobe epilepsy 7; Norman-Roberts syndrome. Last evaluated: 2021-09-30. Review status: criteria provided, single submitter. Criteria: Invitae Variant Classification Sherloc (09022015). Collection method: clinical testing. Allele origin: germline.
Comment: Variants that disrupt the consensus splice site are a relatively common cause of aberrant splicing (PMID: 17576681, 9536098). Algorithms developed to predict the effect of sequence changes on RNA splicing suggest that this variant is not likely to affect RNA splicing. In summary, the available evidence is currently insufficient to determine the role of this variant in disease. Therefore, it has been classified as a Variant of Uncertain Significance. ClinVar contains an entry for this variant (Variation ID: 95239). This variant has not been reported in the literature in individuals affected with RELN-related conditions. This variant is not present in population databases (ExAC no frequency). This sequence change falls in intron 60 of the RELN gene. It does not directly change the encoded amino acid sequence of the RELN protein. It affects a nucleotide within the consensus splice site of the intron.

Eurofins Ntd Llc (ga)
Classification: Uncertain significance. Last evaluated: 2013-06-24. Review status: criteria provided, single submitter. Criteria: EGL Classification Definitions 2015. Collection method: clinical testing. Allele origin: germline. Observed: 1 variant allele, 1 heterozygote.

Literature cited by the submitters: PubMed 17576681 (cited by Labcorp Genetics (formerly Invitae), Labcorp); PubMed 9536098 (cited by Labcorp Genetics (formerly Invitae), Labcorp).

NM_005045.4(RELN):c.9763+3C>G

Genes: SLC26A5-AS1 (SLC26A5 antisense RNA 1; plus strand), RELN (reelin; minus strand), LOC126860130 (BRD4-independent group 4 enhancer GRCh37_chr7:103130126-103131325; plus strand). Cytogenetic location: 7q22.1.
Variant type: single nucleotide variant.
Coding change: c.9763+3C>G on transcript NM_005045.4 (MANE Select); 3 bases into the intron after coding-DNA position 9763, C replaced by G.
Molecular consequence: intron variant.
Genome position (GRCh38, 1-based): chr7:103,489,739, G>C on the plus strand (C>G on the coding strand, the complement: RELN is on the minus strand). VCF-style: chr7-103489739-G-C. GRCh37 (hg19) VCF-style: chr7-103130186-G-C.
Other names: c.9763+3C>G (NM_173054.3).
Identifiers: ClinVar variation 95239 (VCV000095239.12), dbSNP rs398124195, ClinGen allele CA222835.